The following is an entry in ClinVar:

NM_006371.5(CRTAP):c.851T>C (p.Val284Ala)

Gene: CRTAP (cartilage associated protein; plus strand). Cytogenetic location: 3p22.3.
Variant type: single nucleotide variant.
Coding change: c.851T>C on transcript NM_006371.5 (MANE Select); coding-DNA position 851, T replaced by C.
Protein change: p.Val284Ala; replaces valine 284 with alanine.
Molecular consequence: missense variant. On other transcripts: intron variant (1).
Genome position (GRCh38, 1-based): chr3:33,129,996, T>C. VCF-style: chr3-33129996-T-C. GRCh37 (hg19) VCF-style: chr3-33171488-T-C.
Other names: c.851T>C, p.Val284Ala (NM_001393363.1); c.701T>C, p.Val234Ala (NM_001393365.1); c.794-2559T>C (NM_001393364.1); c.851T>C (NM_006371.4); short protein forms V284A, V234A.
Identifiers: ClinVar variation 1371784 (VCV001371784.4), dbSNP rs747772727, ClinGen allele CA2300423.

ClinVar aggregate classification (germline): Uncertain significance. Review status: criteria provided, multiple submitters, no conflicts (2 of 4 stars). 2 submissions from 2 submitters: Uncertain significance (2). Last evaluated 2024-12-03.

Conditions:
Inborn genetic diseases. Identifiers: MedGen C0950123, MeSH D030342.
Osteogenesis imperfecta type 7 (OI7). Also called: OSTEOGENESIS IMPERFECTA, TYPE IIB; Osteogenesis imperfecta type 2B; OI type 2B; Osteogenesis imperfecta, perinatal lethal autosomal recessive; OI type IIB; OI type 7. Identifiers: MedGen C1853162, MONDO:0012536, OMIM 610682.

Allele frequency attached by ClinVar (database versions not stated): TOPMed 0.00001; ExAC 0.00006; gnomAD exomes 0.00007.
gnomAD v4.1: 15 of 1,613,322 alleles (0.00093%); highest among the groups gnomAD compares: East Asian, 0.033%; no homozygotes.

Submissions (2):

Ambry Genetics
Classification: Uncertain significance for Inborn genetic diseases. Last evaluated: 2024-12-03. Review status: criteria provided, single submitter. Criteria: Ambry Variant Classification Scheme 2023. Collection method: clinical testing. Allele origin: germline.

Labcorp Genetics (formerly Invitae), Labcorp
Classification: Uncertain significance for Osteogenesis imperfecta type 7. Last evaluated: 2022-01-11. Review status: criteria provided, single submitter. Criteria: Invitae Variant Classification Sherloc (09022015). Collection method: clinical testing. Allele origin: germline.
Comment: This sequence change replaces valine, which is neutral and non-polar, with alanine, which is neutral and non-polar, at codon 284 of the CRTAP protein (p.Val284Ala). This variant is present in population databases (rs747772727, gnomAD 0.1%). This variant has not been reported in the literature in individuals affected with CRTAP-related conditions. Algorithms developed to predict the effect of missense changes on protein structure and function are either unavailable or do not agree on the potential impact of this missense change (SIFT: "Deleterious"; PolyPhen-2: "Benign"; Align-GVGD: "Class C25"). In summary, the available evidence is currently insufficient to determine the role of this variant in disease. Therefore, it has been classified as a Variant of Uncertain Significance.